The following is an entry in ClinVar:

NM_001374736.1(DST):c.2737C>T (p.His913Tyr)

Gene: DST (dystonin; minus strand). Cytogenetic location: 6p12.1.
Variant type: single nucleotide variant.
Coding change: c.2737C>T on transcript NM_001374736.1 (MANE Select); coding-DNA position 2737, C replaced by T.
Protein change: p.His913Tyr; replaces histidine 913 with tyrosine.
Molecular consequence: missense variant.
Genome position (GRCh38, 1-based): chr6:56,639,572, G>A on the plus strand (C>T on the coding strand, the complement: DST is on the minus strand). VCF-style: chr6-56639572-G-A. GRCh37 (hg19) VCF-style: chr6-56504370-G-A.
Other names: c.2638C>T, p.His880Tyr (NM_001144769.5); c.2224C>T, p.His742Tyr (NM_001144770.2); c.2737C>T, p.His913Tyr (NM_001374722.1); c.2104C>T, p.His702Tyr (NM_001374729.1, NM_001374730.1, NM_001386100.1 and 1 more transcripts); c.2764C>T, p.His922Tyr (NM_001374734.1); c.1126C>T, p.His376Tyr (NM_001723.7, NM_015548.5); short protein forms H376Y, H702Y, H742Y, H880Y, H913Y, H922Y.
Identifiers: ClinVar variation 4536503 (VCV004536503.1).

ClinVar aggregate classification (germline): Uncertain significance (1 of 4 stars; one submission).

gnomAD v4.1: 1 of 1,613,754 alleles (0.000062%); highest among the groups gnomAD compares: Non-Finnish European, 0.000085%; no homozygotes.

Submission:

GeneDx
Classification: Uncertain significance. Last evaluated: 2025-06-03. Review status: criteria provided, single submitter. Criteria: GeneDx Variant Classification Process June 2021. Collection method: clinical testing. Allele origin: germline. Affected: yes.
Comment: Not observed at significant frequency in large population cohorts (gnomAD); In silico analysis supports that this missense variant has a deleterious effect on protein structure/function; Has not been previously published as pathogenic or benign to our knowledge; Reported using the transcript encoding the epithelial isoform of the gene